The following is an entry in ClinVar:

ClinVar aggregate classification (germline): Uncertain significance (1 of 4 stars; one submission).

Submission:

Labcorp Genetics (formerly Invitae), Labcorp
Classification: Uncertain significance. Last evaluated: 2022-10-17. Review status: criteria provided, single submitter. Criteria: Invitae Variant Classification Sherloc (09022015). Collection method: clinical testing. Allele origin: germline.
Comment: This sequence change replaces proline, which is neutral and non-polar, with serine, which is neutral and polar, at codon 1941 of the SRCAP protein (p.Pro1941Ser). This variant is not present in population databases (gnomAD no frequency). In summary, the available evidence is currently insufficient to determine the role of this variant in disease. Therefore, it has been classified as a Variant of Uncertain Significance. Advanced modeling of protein sequence and biophysical properties (such as structural, functional, and spatial information, amino acid conservation, physicochemical variation, residue mobility, and thermodynamic stability) performed at Invitae indicates that this missense variant is not expected to disrupt SRCAP protein function. This variant has not been reported in the literature in individuals affected with SRCAP-related conditions.

NM_006662.3(SRCAP):c.5821C>T (p.Pro1941Ser)

Gene: SRCAP (Snf2 related CREBBP activator protein; plus strand). Cytogenetic location: 16p11.2.
Variant type: single nucleotide variant.
Coding change: c.5821C>T on transcript NM_006662.3 (MANE Select); coding-DNA position 5821, C replaced by T.
Protein change: p.Pro1941Ser; replaces proline 1941 with serine.
Molecular consequence: missense variant.
Genome position (GRCh38, 1-based): chr16:30,729,128, C>T. VCF-style: chr16-30729128-C-T. GRCh37 (hg19) VCF-style: chr16-30740449-C-T.
Other names: short protein forms P1941S.
Identifiers: ClinVar variation 2006623 (VCV002006623.4), dbSNP rs2506697573, ClinGen allele CA395621397.